The following is an entry in ClinVar:

NM_001961.4(EEF2):c.522C>T (p.Leu174=)

Gene: EEF2 (eukaryotic translation elongation factor 2; minus strand). Cytogenetic location: 19p13.3.
Variant type: single nucleotide variant.
Coding change: c.522C>T on transcript NM_001961.4 (MANE Select); coding-DNA position 522, C replaced by T.
Protein change: p.Leu174=; no amino-acid change (leucine 174 retained).
Molecular consequence: synonymous variant.
Genome position (GRCh38, 1-based): chr19:3,982,897, G>A on the plus strand (C>T on the coding strand, the complement: EEF2 is on the minus strand). VCF-style: chr19-3982897-G-A. GRCh37 (hg19) VCF-style: chr19-3982895-G-A.
Identifiers: ClinVar variation 1256091 (VCV001256091.29), dbSNP rs555068664, ClinGen allele CA9089385.
Genomic context (GRCh38, chr19:3,982,897, plus strand): 5'-CTCGCCGTAGGTGGAGATGATGACGTTCACGTTCTCCACGATGCGCTGGAAAGTCTGGTA[G>A]AGCTCCTCGGGCTCCAGCTGCAGCTCCAGCAGGGCGCGGTCCATCTTGTTCATCATCAGC-3'
Protein context (NP_001952.1, residues 164-184): LLELQLEPEE[Leu174=]YQTFQRIVEN

ClinVar aggregate classification (germline): Benign/Likely benign. Review status: criteria provided, multiple submitters, no conflicts (2 of 4 stars). 3 submissions from 3 submitters: Benign (2); Likely benign (1). Last evaluated 2025-10-01.

Allele frequency attached by ClinVar (database versions not stated): gnomAD 0.00006 and 0.00038; TOPMed 0.00012; gnomAD exomes 0.00064 and 0.00126; ExAC 0.00138; 1000 Genomes Project 30x 0.00203; 1000 Genomes Project 0.00220.
gnomAD v4.1: 989 of 1,613,688 alleles (0.061%); highest among the groups gnomAD compares: South Asian, 0.92%; 13 homozygotes.

Submissions (3):

Labcorp Genetics (formerly Invitae), Labcorp
Classification: Benign. Last evaluated: 2025-10-01. Review status: criteria provided, single submitter. Criteria: Invitae Variant Classification Sherloc (09022015). Collection method: clinical testing. Allele origin: germline.

CeGaT Center for Human Genetics Tuebingen
Classification: Likely benign. Last evaluated: 2023-06-01. Review status: criteria provided, single submitter. Criteria: CeGaT Center For Human Genetics Tuebingen Variant Classification Criteria Version 2. Collection method: clinical testing. Allele origin: germline. Affected: yes. Observed: 1 variant allele.
Comment: EEF2: BP4, BP7, BS2

Athena Diagnostics
Classification: Benign. Last evaluated: 2021-02-04. Review status: criteria provided, single submitter. Criteria: Athena Diagnostics criteria. Collection method: clinical testing. Allele origin: unknown.